The following is an entry in ClinVar:

NM_000520.6(HEXA):c.1181_1182del (p.Glu394fs)

Gene: HEXA (hexosaminidase subunit alpha; minus strand). Cytogenetic location: 15q23.
Variant type: Microsatellite.
Coding change: c.1181_1182del on transcript NM_000520.6 (MANE Select); coding-DNA positions 1181 to 1182, 2 bases deleted (AG; older notation c.1181_1182delAG).
Protein change: p.Glu394fs; shifts the reading frame from glutamic acid 394.
Molecular consequence: frameshift variant.
Genome position (GRCh38, 1-based): chr15:72,346,675-72,346,676, CT deleted on the plus strand (AG on the coding strand, the reverse complement: HEXA is on the minus strand); deleting any 2 consecutive bases within chr15:72,346,675-72,346,679 gives the same sequence; the c. name uses the placement nearest the transcript's 3' end. VCF-style (leftmost placement, unchanged base first): chr15-72346674-CCT-C. GRCh37 (hg19) VCF-style: chr15-72639015-CCT-C.
Other names: c.1214_1215del, p.Glu405fs (NM_001318825.2); short protein forms E394fs, E405fs.
Identifiers: ClinVar variation 5012617 (VCV005012617.1).

ClinVar aggregate classification (germline): Pathogenic (1 of 4 stars; one submission).

Conditions:
Tay-Sachs disease (TSD). Also called: HEXA DEFICIENCY; GM2 gangliosidosis, type 1; Hexosaminidase alpha-subunit deficiency (variant B); Sphingolipidosis, Tay-Sachs; Hexosaminidase A Deficiency; HEXA Disorders. Identifiers: Orphanet 845, MedGen C0039373, MONDO:0010100, OMIM 272800.

Submission:

Myriad Genetics, Inc.
Classification: Pathogenic for Tay-Sachs disease. Last evaluated: 2023-12-30. Review status: criteria provided, single submitter. Criteria: Myriad Autosomal Dominant, Autosomal Recessive and X-Linked Classification Criteria (2023). Collection method: clinical testing. Allele origin: unknown.
Comment: NM_000520.4(HEXA):c.1181_1182delAG(E394Gfs*36) is expected to be pathogenic in the context of hexosaminidase A deficiency. This variant is predicted to lead to an abnormal or absent protein product due to the creation of a premature termination codon in HEXA, a gene where loss-of-function variants are known to be pathogenic. Please note: this variant was assessed in the context of healthy population screening.